The following is an entry in ClinVar:

NM_018993.4(RIN2):c.-36-2787C>T

Gene: RIN2 (Ras and Rab interactor 2; plus strand). Cytogenetic location: 20p11.23.
Variant type: single nucleotide variant.
Coding change: c.-36-2787C>T on transcript NM_018993.4 (MANE Select); 2787 bases into the intron before 36 bases upstream of the start codon, C replaced by T.
Molecular consequence: intron variant. On other transcripts: missense variant (1).
Genome position (GRCh38, 1-based): chr20:19,886,779, C>T. VCF-style: chr20-19886779-C-T. GRCh37 (hg19) VCF-style: chr20-19867423-C-T.
Other names: c.-581-2787C>T (NM_001378238.1); c.110C>T, p.Thr37Met (NM_001242581.2); short protein forms T37M.
Identifiers: ClinVar variation 1462909 (VCV001462909.5), dbSNP rs776636138, ClinGen allele CA312907159.

ClinVar aggregate classification (germline): Uncertain significance (1 of 4 stars; one submission).

Allele frequency attached by ClinVar (database versions not stated): gnomAD exomes 0.00002 and 0.00003.
gnomAD v4.1: 41 of 1,526,138 alleles (0.0027%); highest among the groups gnomAD compares: East Asian, 0.0049%; no homozygotes.

Submission:

Labcorp Genetics (formerly Invitae), Labcorp
Classification: Uncertain significance. Last evaluated: 2024-02-17. Review status: criteria provided, single submitter. Criteria: Invitae Variant Classification Sherloc (09022015). Collection method: clinical testing. Allele origin: germline.
Comment: The RIN2 gene has multiple clinically relevant transcripts. This variant occurs in alternate transcript NM_001242581.1, and corresponds to NM_018993.3:c.-2823C>T in the primary transcript. This sequence change replaces threonine, which is neutral and polar, with methionine, which is neutral and non-polar, at codon 37 of the RIN2 protein (p.Thr37Met). This variant is present in population databases (rs776636138, gnomAD 0.01%). This variant has not been reported in the literature in individuals affected with RIN2-related conditions. Experimental studies and prediction algorithms are not available or were not evaluated, and the functional significance of this variant is currently unknown. In summary, the available evidence is currently insufficient to determine the role of this variant in disease. Therefore, it has been classified as a Variant of Uncertain Significance.